The following is an entry in ClinVar:

ClinVar aggregate classification (germline): Uncertain significance (1 of 4 stars; one submission).

Conditions:
Nephronophthisis. Also called: Juvenile Nephronophthisis. Identifiers: Orphanet 655, MedGen C0687120, MONDO:0019005, HP:0000090.

Allele frequency attached by ClinVar (database versions not stated): gnomAD exomes below 0.00001; TOPMed below 0.00001.
gnomAD v4.1: 1 of 1,613,880 alleles (0.000062%); highest among the groups gnomAD compares: South Asian, 0.0011%; no homozygotes.

Submission:

Labcorp Genetics (formerly Invitae), Labcorp
Classification: Uncertain significance for Nephronophthisis. Last evaluated: 2022-03-30. Review status: criteria provided, single submitter. Criteria: Invitae Variant Classification Sherloc (09022015). Collection method: clinical testing. Allele origin: germline.
Comment: In summary, the available evidence is currently insufficient to determine the role of this variant in disease. Therefore, it has been classified as a Variant of Uncertain Significance. This sequence change replaces threonine, which is neutral and polar, with isoleucine, which is neutral and non-polar, at codon 144 of the INVS protein (p.Thr144Ile). Algorithms developed to predict the effect of missense changes on protein structure and function are either unavailable or do not agree on the potential impact of this missense change (SIFT: "Deleterious"; PolyPhen-2: "Possibly Damaging"; Align-GVGD: "Class C15"). This variant has not been reported in the literature in individuals affected with INVS-related conditions. This variant is not present in population databases (gnomAD no frequency).

NM_014425.5(INVS):c.431C>T (p.Thr144Ile)

Gene: INVS (inversin; plus strand). Cytogenetic location: 9q31.1.
Variant type: single nucleotide variant.
Coding change: c.431C>T on transcript NM_014425.5 (MANE Select); coding-DNA position 431, C replaced by T.
Protein change: p.Thr144Ile; replaces threonine 144 with isoleucine.
Molecular consequence: missense variant. On other transcripts: 5 prime UTR variant (1), non-coding transcript variant (1).
Genome position (GRCh38, 1-based): chr9:100,226,219, C>T. VCF-style: chr9-100226219-C-T. GRCh37 (hg19) VCF-style: chr9-102988501-C-T.
Other names: c.143C>T, p.Thr48Ile (NM_001318381.2); c.-559C>T (NM_001318382.2); short protein forms T144I, T48I.
Identifiers: ClinVar variation 2060703 (VCV002060703.3), dbSNP rs1831314947, ClinGen allele CA374359501.